The following is an entry in ClinVar:

ClinVar aggregate classification (germline): Uncertain significance (1 of 4 stars; one submission).

Conditions:
Inborn genetic diseases. Identifiers: MedGen C0950123, MeSH D030342.

Submission:

Ambry Genetics
Classification: Uncertain significance for Inborn genetic diseases. Last evaluated: 2023-08-29. Review status: criteria provided, single submitter. Criteria: Ambry Variant Classification Scheme 2023. Collection method: clinical testing. Allele origin: germline.
Comment: The p.N570K variant (also known as c.1710T>G), located in coding exon 14 of the BUB1B gene, results from a T to G substitution at nucleotide position 1710. The asparagine at codon 570 is replaced by lysine, an amino acid with similar properties. This amino acid position is conserved. In addition, this alteration is predicted to be tolerated by in silico analysis. Since supporting evidence is limited at this time, the clinical significance of this alteration remains unclear.

NM_001211.6(BUB1B):c.1710T>G (p.Asn570Lys)

Gene: BUB1B (BUB1 mitotic checkpoint serine/threonine kinase B; plus strand). Cytogenetic location: 15q15.1.
Variant type: single nucleotide variant.
Coding change: c.1710T>G on transcript NM_001211.6 (MANE Select); coding-DNA position 1710, T replaced by G.
Protein change: p.Asn570Lys; replaces asparagine 570 with lysine.
Molecular consequence: missense variant.
Genome position (GRCh38, 1-based): chr15:40,202,670, T>G. VCF-style: chr15-40202670-T-G. GRCh37 (hg19) VCF-style: chr15-40494871-T-G.
Other names: short protein forms N570K.
Identifiers: ClinVar variation 1778565 (VCV001778565.3), dbSNP rs2542559536, ClinGen allele CA391691697.